The following is an entry in ClinVar:

NM_002485.5(NBN):c.1403G>C (p.Arg468Thr)

Gene: NBN (nibrin; minus strand). Cytogenetic location: 8q21.3.
Variant type: single nucleotide variant.
Coding change: c.1403G>C on transcript NM_002485.5 (MANE Select); coding-DNA position 1403, G replaced by C.
Protein change: p.Arg468Thr; replaces arginine 468 with threonine.
Molecular consequence: missense variant.
Genome position (GRCh38, 1-based): chr8:89,953,686, C>G on the plus strand (G>C on the coding strand, the complement: NBN is on the minus strand). VCF-style: chr8-89953686-C-G. GRCh37 (hg19) VCF-style: chr8-90965914-C-G.
Other names: c.1157G>C, p.Arg386Thr (NM_001024688.3); short protein forms R386T, R468T.
Identifiers: ClinVar variation 659021 (VCV000659021.18), dbSNP rs781213350, ClinGen allele CA4802728.
Genomic context (GRCh38, chr8:89,953,686, plus strand): 5'-GAACAAGACGTTTCTATTCTTGCTGATTTGCATGAAGACATTTCTTGATTTTCTTCATCC[C>G]TTTCCCTTAGATTTAAAAAAAAAGAAGAAAACAAAACAAGAAAATGAACACAGCTAAGTA-3'
Protein context (NP_002476.2, residues 458-478): YFQPSTKKRE[Arg468Thr]DEENQEMSSC

ClinVar aggregate classification (germline): Uncertain significance. Review status: criteria provided, multiple submitters, no conflicts (2 of 4 stars). 4 submissions from 4 submitters: Uncertain significance (4). Last evaluated 2023-08-29.

Conditions:
Hereditary cancer-predisposing syndrome. Also called: Neoplastic Syndromes, Hereditary; Hereditary neoplastic syndrome; Hereditary Cancer Syndrome; Tumor predisposition. Identifiers: Orphanet 140162, MedGen C0027672, MeSH D009386, MONDO:0015356.
Microcephaly, normal intelligence and immunodeficiency (NBS). Also called: BERLIN BREAKAGE SYNDROME; Immunodeficiency, microcephaly with normal intelligence; SEEMANOVA SYNDROME II; Ataxia telangiectasia variant V1; Nijmegen breakage syndrome; IMMUNODEFICIENCY, MICROCEPHALY, AND CHROMOSOMAL INSTABILITY. Identifiers: Orphanet 647, MedGen C0398791, MONDO:0009623, OMIM 251260.

Allele frequency attached by ClinVar (database versions not stated): TOPMed 0.00001.

Submissions (4):

Ambry Genetics
Classification: Uncertain significance for Hereditary cancer-predisposing syndrome. Last evaluated: 2023-08-29. Review status: criteria provided, single submitter. Criteria: Ambry Variant Classification Scheme 2023. Collection method: clinical testing. Allele origin: germline.
Comment: The p.R468T variant (also known as c.1403G>C), located in coding exon 11 of the NBN gene, results from a G to C substitution at nucleotide position 1403. The arginine at codon 468 is replaced by threonine, an amino acid with similar properties. This amino acid position is highly conserved in available vertebrate species. In addition, the in silico prediction for this alteration is inconclusive. Since supporting evidence is limited at this time, the clinical significance of this alteration remains unclear.

GeneDx
Classification: Uncertain significance. Last evaluated: 2023-08-15. Review status: criteria provided, single submitter. Criteria: GeneDx Variant Classification Process June 2021. Collection method: clinical testing. Allele origin: germline. Affected: yes.
Comment: Not observed at significant frequency in large population cohorts (gnomAD); In silico analysis supports that this missense variant does not alter protein structure/function; Has not been previously published as pathogenic or benign to our knowledge

Labcorp Genetics (formerly Invitae), Labcorp
Classification: Uncertain significance for Microcephaly, normal intelligence and immunodeficiency. Last evaluated: 2023-04-26. Review status: criteria provided, single submitter. Criteria: Invitae Variant Classification Sherloc (09022015). Collection method: clinical testing. Allele origin: germline.
Comment: ClinVar contains an entry for this variant (Variation ID: 659021). In summary, the available evidence is currently insufficient to determine the role of this variant in disease. Therefore, it has been classified as a Variant of Uncertain Significance. RNA analysis performed to evaluate the impact of this missense change on mRNA splicing indicates it does not significantly alter splicing (Invitae). An algorithm developed to predict the effect of missense changes on protein structure and function (PolyPhen-2) suggests that this variant is likely to be disruptive. This variant has not been reported in the literature in individuals affected with NBN-related conditions. This variant is not present in population databases (gnomAD no frequency). This sequence change replaces arginine, which is basic and polar, with threonine, which is neutral and polar, at codon 468 of the NBN protein (p.Arg468Thr).

Genome-Nilou Lab
Classification: Uncertain significance for Microcephaly, normal intelligence and immunodeficiency. Last evaluated: 2021-11-07. Review status: criteria provided, single submitter. Criteria: ACMG Guidelines, 2015. Collection method: clinical testing. Allele origin: germline. Affected: no.